The following is an entry in ClinVar:

NM_000264.5(PTCH1):c.291C>A (p.Asn97Lys)

Gene: PTCH1 (patched 1; minus strand). Cytogenetic location: 9q22.32.
Variant type: single nucleotide variant.
Coding change: c.291C>A on transcript NM_000264.5 (MANE Select); coding-DNA position 291, C replaced by A.
Protein change: p.Asn97Lys; replaces asparagine 97 with lysine.
Molecular consequence: missense variant. On other transcripts: non-coding transcript variant (1), 5 prime UTR variant (4).
Genome position (GRCh38, 1-based): chr9:95,506,510, G>T on the plus strand (C>A on the coding strand, the complement: PTCH1 is on the minus strand). VCF-style: chr9-95506510-G-T. GRCh37 (hg19) VCF-style: chr9-98268792-G-T.
Other names: c.93C>A, p.Asn31Lys (NM_001083602.3, NM_001354919.2); c.288C>A, p.Asn96Lys (NM_001083603.3); c.-163C>A (NM_001083604.3, NM_001083605.3, NM_001083606.3 and 1 more transcripts); c.291C>A, p.Asn97Lys (NM_001354918.2); short protein forms N96K, N97K, N31K.
Identifiers: ClinVar variation 1797672 (VCV001797672.2), dbSNP rs1318662503, ClinGen allele CA374120344.
Genomic context (GRCh38, chr9:95,506,510, plus strand): 5'-TTTTAATCCCACCGCGAAGGCCCCAAATATGAGGAGGCCCACAACCAAGAACTTGCCGCA[G>T]TTTTTTTGAATGTAACAACCCAGTTTAAATAAGAGTCTCTGAAACTTCGCTCTCAGCCAC-3'
Protein context (NP_000255.2, residues 87-107): LFKLGCYIQK[Asn97Lys]CGKFLVVGLL

ClinVar aggregate classification (germline): Uncertain significance (1 of 4 stars; one submission).

Conditions:
Hereditary cancer-predisposing syndrome. Also called: Neoplastic Syndromes, Hereditary; Tumor predisposition; Hereditary Cancer Syndrome; Hereditary neoplastic syndrome. Identifiers: Orphanet 140162, MedGen C0027672, MeSH D009386, MONDO:0015356.

Submission:

Ambry Genetics
Classification: Uncertain significance for Hereditary cancer-predisposing syndrome. Last evaluated: 2022-04-28. Review status: criteria provided, single submitter. Criteria: Ambry Variant Classification Scheme 2023. Collection method: clinical testing. Allele origin: germline.
Comment: The p.N97K variant (also known as c.291C>A), located in coding exon 2 of the PTCH1 gene, results from a C to A substitution at nucleotide position 291. The asparagine at codon 97 is replaced by lysine, an amino acid with similar properties. This amino acid position is conserved. In addition, the in silico prediction for this alteration is inconclusive. Since supporting evidence is limited at this time, the clinical significance of this alteration remains unclear.